The following is an entry in ClinVar:

NM_022098.4(XPNPEP3):c.1313G>A (p.Arg438His)

Gene: XPNPEP3 (X-prolyl aminopeptidase 3; plus strand). Cytogenetic location: 22q13.2.
Variant type: single nucleotide variant.
Coding change: c.1313G>A on transcript NM_022098.4 (MANE Select); coding-DNA position 1313, G replaced by A.
Protein change: p.Arg438His; replaces arginine 438 with histidine.
Molecular consequence: missense variant.
Genome position (GRCh38, 1-based): chr22:40,924,438, G>A. VCF-style: chr22-40924438-G-A. GRCh37 (hg19) VCF-style: chr22-41320442-G-A.
Other names: short protein forms R438H.
Identifiers: ClinVar variation 341677 (VCV000341677.10), dbSNP rs766361465, ClinGen allele CA10251917.
Genomic context (GRCh38, chr22:40,924,438, plus strand): 5'-GTCCTCATCATGTTGGCCACTACCTCGGGATGGATGTCCATGACACTCCAGACATGCCCC[G>A]TTCCCTCCCTCTGCAGCCTGGGATGGTAATCACAATTGAGCCCGGTAAGGAGAGGTGTTA-3'
Protein context (NP_071381.1, residues 428-448): MDVHDTPDMP[Arg438His]SLPLQPGMVI

ClinVar aggregate classification (germline): Uncertain significance. Review status: criteria provided, multiple submitters, no conflicts (2 of 4 stars). 4 submissions from 4 submitters: Uncertain significance (4). Last evaluated 2024-06-05.

Conditions:
Nephronophthisis-like nephropathy 1 (NPHPL1). Identifiers: Orphanet 655, MedGen C3150419, MONDO:0013163, OMIM 613159.
Inborn genetic diseases. Identifiers: MedGen C0950123, MeSH D030342.

Allele frequency attached by ClinVar (database versions not stated): gnomAD 0.00006 and 0.00007; ExAC 0.00009; gnomAD exomes 0.00010 and 0.00012; TOPMed 0.00011.
gnomAD v4.1: 153 of 1,613,986 alleles (0.0095%); highest among the groups gnomAD compares: Non-Finnish European, 0.0081%; no homozygotes.

Submissions (4):

Fulgent Genetics
Classification: Uncertain significance for Nephronophthisis-like nephropathy 1. Last evaluated: 2024-06-05. Review status: criteria provided, single submitter. Criteria: ACMG Guidelines, 2015. Collection method: clinical testing. Allele origin: germline.

Ambry Genetics
Classification: Uncertain significance for Inborn genetic diseases. Last evaluated: 2023-04-07. Review status: criteria provided, single submitter. Criteria: Ambry Variant Classification Scheme 2023. Collection method: clinical testing. Allele origin: germline.

Labcorp Genetics (formerly Invitae), Labcorp
Classification: Uncertain significance for Nephronophthisis-like nephropathy 1. Last evaluated: 2022-09-07. Review status: criteria provided, single submitter. Criteria: Invitae Variant Classification Sherloc (09022015). Collection method: clinical testing. Allele origin: germline.
Comment: This sequence change replaces arginine, which is basic and polar, with histidine, which is basic and polar, at codon 438 of the XPNPEP3 protein (p.Arg438His). This variant is present in population databases (rs766361465, gnomAD 0.2%). This variant has not been reported in the literature in individuals affected with XPNPEP3-related conditions. ClinVar contains an entry for this variant (Variation ID: 341677). Algorithms developed to predict the effect of missense changes on protein structure and function are either unavailable or do not agree on the potential impact of this missense change (SIFT: "Tolerated"; PolyPhen-2: "Probably Damaging"; Align-GVGD: "Class C0"). In summary, the available evidence is currently insufficient to determine the role of this variant in disease. Therefore, it has been classified as a Variant of Uncertain Significance.

Illumina Laboratory Services, Illumina
Classification: Uncertain significance for Nephronophthisis-like nephropathy 1. Last evaluated: 2018-01-13. Review status: criteria provided, single submitter. Criteria: ICSL Variant Classification Criteria 13 December 2019. Collection method: clinical testing. Allele origin: germline.